The following is an entry in ClinVar:

NM_018015.6(RADX):c.2411G>A (p.Arg804Gln)

Gene: RADX (RPA1 related single stranded DNA binding protein, X-linked; plus strand). Cytogenetic location: Xq22.3.
Variant type: single nucleotide variant.
Coding change: c.2411G>A on transcript NM_018015.6 (MANE Select); coding-DNA position 2411, G replaced by A.
Protein change: p.Arg804Gln; replaces arginine 804 with glutamine.
Molecular consequence: missense variant.
Genome position (GRCh38, 1-based): chrX:106,669,304, G>A. VCF-style: chrX-106669304-G-A. GRCh37 (hg19) VCF-style: chrX-105912534-G-A.
Other names: c.2120G>A, p.Arg707Gln (NM_001184782.2); short protein forms R707Q, R804Q.
Identifiers: ClinVar variation 2661137 (VCV002661137.24), dbSNP rs151274803, ClinGen allele CA10482470.
Genomic context (GRCh38, chrX:106,669,304, plus strand): 5'-CACTGTTGACCTCCATGAATTACAGCTGTGCATATCCACAGGACACAACTGGAAATGACC[G>A]ATTGCCAGGTCCAAGAGCGGTTGCAGGTAAAACAATCTCAGTGTTCTTTTCACTCAGAAA-3'
Protein context (NP_060485.4, residues 794-814): AYPQDTTGND[Arg804Gln]LPGPRAVAGD

ClinVar aggregate classification (germline): Likely benign (1 of 4 stars; one submission).

Allele frequency attached by ClinVar (database versions not stated): 1000 Genomes Project 30x 0.00021; 1000 Genomes Project 0.00026; TOPMed 0.00052; gnomAD 0.00054; ExAC 0.00059; ESP Exome Variant Server 0.00076; gnomAD exomes 0.00082.
gnomAD v4.1: 935 of 1,198,234 alleles (0.078%); highest among the groups gnomAD compares: Non-Finnish European, 0.1%; 1 homozygote.

Submission:

CeGaT Center for Human Genetics Tuebingen
Classification: Likely benign. Last evaluated: 2023-02-01. Review status: criteria provided, single submitter. Criteria: CeGaT Center For Human Genetics Tuebingen Variant Classification Criteria Version 2. Collection method: clinical testing. Allele origin: germline. Affected: yes. Observed: 2 variant alleles.
Comment: RADX: BP4, BS2